The following is an entry in ClinVar:

ClinVar aggregate classification (germline): Pathogenic. Review status: criteria provided, multiple submitters, no conflicts (2 of 4 stars). 5 submissions from 5 submitters: Pathogenic (2). 3 of the submissions do not count toward it. Last evaluated 2025-03-20.

Conditions:
Hypotonia, ataxia, and delayed development syndrome (HADDS). Also called: EBF3 Neurodevelopmental Disorder. Identifiers: Orphanet 658843, MedGen C4310618, MONDO:0015021, OMIM 617330.

Submissions (5):

GeneDx
Classification: Pathogenic. Last evaluated: 2025-03-20. Review status: criteria provided, single submitter. Criteria: GeneDx Variant Classification Process June 2021. Collection method: clinical testing. Allele origin: germline.
Comment: Published functional studies suggest a damaging effect with reduced transcriptional activation, ability to dimermize with wild type protein, binding, and regulatory function (PMID: 28017370, 28017373); In silico analysis supports that this missense variant has a deleterious effect on protein structure/function; Not observed at significant frequency in large population cohorts (gnomAD); This variant is associated with the following publications: (PMID: 34758253, 33057194, 35982159, 28135719, 28017373, 31785789, 28017370, 28554332, 34999443)

HudsonAlpha Institute for Biotechnology
Classification: Pathogenic for Hypotonia, ataxia, and delayed development syndrome. Last evaluated: 2016-05-12. Review status: criteria provided, single submitter. Criteria: HA_assertions_20161101. Collection method: research. Allele origin: de novo. Affected: yes. Observed: 1 variant allele. Study: CSER-HudsonAlpha.

OMIM
Classification: Pathogenic for HYPOTONIA, ATAXIA, AND DELAYED DEVELOPMENT SYNDROME. Last evaluated: 2017-02-07. Review status: no assertion criteria provided. Collection method: literature only. Allele origin: germline. Not counted in ClinVar's aggregate classification.

Genomics England Pilot Project, Genomics England
Classification: Likely pathogenic for Hypotonia, ataxia, and delayed development syndrome. Review status: no assertion criteria provided. Criteria: ACGS Guidelines, 2016. Collection method: clinical testing. Allele origin: germline. Affected: yes. Not counted in ClinVar's aggregate classification.

NEUROCHILD, Pediatric Research Center
Classification: Pathogenic for Hypotonia, ataxia, and delayed development syndrome. Review status: no assertion criteria provided. Collection method: clinical testing. Allele origin: de novo. Affected: yes. Not counted in ClinVar's aggregate classification.

Literature cited by the submitters: PubMed 28017373 (cited by OMIM); PubMed 28017370 (cited by OMIM).

NM_001375380.1(EBF3):c.530C>T (p.Pro177Leu)

Gene: EBF3 (EBF transcription factor 3; minus strand). Cytogenetic location: 10q26.3.
Variant type: single nucleotide variant.
Coding change: c.530C>T on transcript NM_001375380.1 (MANE Select); coding-DNA position 530, C replaced by T.
Protein change: p.Pro177Leu; replaces proline 177 with leucine.
Molecular consequence: missense variant.
Genome position (GRCh38, 1-based): chr10:129,957,282, G>A on the plus strand (C>T on the coding strand, the complement: EBF3 is on the minus strand). VCF-style: chr10-129957282-G-A. GRCh37 (hg19) VCF-style: chr10-131755546-G-A.
Other names: c.530C>T, p.Pro177Leu (NM_001005463.3, NM_001375379.1, NM_001375389.1 and 3 more transcripts); short protein forms P177L.
Identifiers: ClinVar variation 224085 (VCV000224085.11), dbSNP rs869312668, ClinGen allele CA354945.